The following is an entry in ClinVar:

ClinVar aggregate classification (germline): Likely pathogenic. Review status: criteria provided, single submitter (1 of 4 stars). 2 submissions from 2 submitters: Likely pathogenic (1). 1 of the submissions does not count toward it. Last evaluated 2018-05-25.

Conditions:
Common variable immunodeficiency (CVID). Also called: Common variable hypogamma-globulinemia; Common variable agammaglobulinemia. Identifiers: Orphanet 1572, MedGen C0009447, MONDO:0015517.
Hyper-IgM syndrome type 1. Also called: Hyper-IgM Immunodeficiency Syndrome, Type 1; CD40 Ligand Deficiency; X-linked hyper-IgM syndrome; Immunodeficiency, X-linked, with hyper-IgM. Identifiers: Orphanet 101088, MedGen C0398689, MONDO:0010626, OMIM 308230.

Submissions (2):

Women's Health and Genetics/Laboratory Corporation of America, LabCorp
Classification: Likely pathogenic for Immunodeficiency with hyper IgM type 1. Last evaluated: 2018-05-25. Review status: criteria provided, single submitter. Criteria: LabCorp Variant Classification Summary - May 2015. Collection method: clinical testing. Allele origin: germline.
Comment: Variant summary: CD40LG c.288+1G>A is located in a canonical splice-site and is predicted to affect mRNA splicing resulting in a significantly altered protein due to either exon skipping, shortening, or inclusion of intronic material. Several computational tools predict a significant impact on normal splicing: Five predict the variant abolishes a 5' splicing donor site. These predictions are supported by functional studies showing that the variant causes either the skipping of exon 2 or the inclusion of 19 nucleotides due to the use of a cryptic splice site (Nonoyama_1997). The variant was absent in 178146 control chromosomes. c.288+1G>A has been reported in the literature in individuals affected with Hyper IgM Syndrome Type 1. These data indicate that the variant may be associated with disease. No clinical diagnostic laboratories have submitted clinical-significance assessments for this variant to ClinVar after 2014. Based on the evidence outlined above, the variant was classified as likely pathogenic.

Pediatric Infectious Diseases and Immunodeficiencies Unit (UPIIP)- HUVH-VHIR, Vall d'Hebron University Hospital
Classification: Pathogenic. Review status: no assertion criteria provided. Collection method: clinical testing. Allele origin: inherited. Inheritance: X-linked recessive inheritance. Affected: yes. Not counted in ClinVar's aggregate classification.
Comment: The variant is absent from large population studies. It causes two aberrantly spliced transcripts: one lacking exon 2 (exon 2 skipping) and one with partial intron 2 retention (19bp). This is consistent with the previously reported effect of this variant (PMIDs: 9150729, 15358621, 9746782). Therefore, we classified the variant as Pathogenic.

Literature cited by the submitters: PubMed 15358621 (cited by Women's Health and Genetics/Laboratory Corporation of America, LabCorp and Pediatric Infectious Diseases and Immunodeficiencies Unit (UPIIP)- HUVH-VHIR, Vall d'Hebron University Hospital); PubMed 9150729 (cited by Pediatric Infectious Diseases and Immunodeficiencies Unit (UPIIP)- HUVH-VHIR, Vall d'Hebron University Hospital); PubMed 9746782 (cited by Pediatric Infectious Diseases and Immunodeficiencies Unit (UPIIP)- HUVH-VHIR, Vall d'Hebron University Hospital).

NM_000074.3(CD40LG):c.288+1G>A

Gene: CD40LG (CD40 ligand; plus strand). Cytogenetic location: Xq26.3.
Variant type: single nucleotide variant.
Coding change: c.288+1G>A on transcript NM_000074.3 (MANE Select); the canonical splice donor site of the intron after coding-DNA position 288, G replaced by A.
Molecular consequence: splice donor variant.
Genome position (GRCh38, 1-based): chrX:136,650,398, G>A. VCF-style: chrX-136650398-G-A. GRCh37 (hg19) VCF-style: chrX-135732557-G-A.
Identifiers: ClinVar variation 633147 (VCV000633147.16), dbSNP rs1569376229, ClinGen allele CA414753756.